The following is an entry in ClinVar:

NM_006096.4(NDRG1):c.807+268A>G

Gene: NDRG1 (N-myc downstream regulated 1; minus strand). Cytogenetic location: 8q24.22.
Variant type: single nucleotide variant.
Coding change: c.807+268A>G on transcript NM_006096.4 (MANE Select); 268 bases into the intron after coding-DNA position 807, A replaced by G.
Molecular consequence: intron variant.
Genome position (GRCh38, 1-based): chr8:133,247,607, T>C on the plus strand (A>G on the coding strand, the complement: NDRG1 is on the minus strand). VCF-style: chr8-133247607-T-C. GRCh37 (hg19) VCF-style: chr8-134259850-T-C.
Other names: c.609+268A>G (NM_001258432.2, NM_001374847.1); c.564+268A>G (NM_001258433.2); c.858+268A>G (NM_001374844.1); c.807+268A>G (NM_001135242.2, NM_001374845.1, NM_001374846.1).
Identifiers: ClinVar variation 668753 (VCV000668753.1), dbSNP rs10108961, ClinGen allele CA12741385.
Genomic context (GRCh38, chr8:133,247,607, plus strand): 5'-GATCCAGCTGCTTCCCAAATAAGAGGTGAGTCTCTTGGCCAGGAAGCCAAGTGGCAAACA[T>C]GCCCATATAAACAAGCCGATGGGACACAGACTGGCGGGTGAGGGGACCTGGGAGAGGAGA-3'

ClinVar aggregate classification (germline): Benign (1 of 4 stars; one submission).

Allele frequency attached by ClinVar (database versions not stated): 1000 Genomes Project 0.18031; 1000 Genomes Project 30x 0.18535; gnomAD 0.20013; TOPMed 0.20283.
gnomAD v4.1: 30,578 of 152,214 alleles (20%); highest among the groups gnomAD compares: Middle Eastern, 27%; 3,223 homozygotes.

Submission:

GeneDx
Classification: Benign. Last evaluated: 2018-06-19. Review status: criteria provided, single submitter. Criteria: GeneDx Variant Classification (06012015). Collection method: clinical testing. Allele origin: germline. Affected: yes.
Comment: This variant is considered likely benign or benign based on one or more of the following criteria: it is a conservative change, it occurs at a poorly conserved position in the protein, it is predicted to be benign by multiple in silico algorithms, and/or has population frequency not consistent with disease.